The following is an entry in ClinVar:

NM_018941.4(CLN8):c.380T>G (p.Ile127Ser)

Gene: CLN8 (CLN8 transmembrane ER and ERGIC protein; plus strand). Cytogenetic location: 8p23.3.
Variant type: single nucleotide variant.
Coding change: c.380T>G on transcript NM_018941.4 (MANE Select); coding-DNA position 380, T replaced by G.
Protein change: p.Ile127Ser; replaces isoleucine 127 with serine.
Molecular consequence: missense variant.
Genome position (GRCh38, 1-based): chr8:1,771,434, T>G. VCF-style: chr8-1771434-T-G. GRCh37 (hg19) VCF-style: chr8-1719600-T-G.
Other names: short protein forms I127S.
Identifiers: ClinVar variation 2042882 (VCV002042882.4), dbSNP rs2130992080, ClinGen allele CA369953446.

ClinVar aggregate classification (germline): Uncertain significance (1 of 4 stars; one submission).

Conditions:
Neuronal ceroid lipofuscinosis. Also called: Neuronal Ceroid Lipofuscinoses. Identifiers: Orphanet 216, Orphanet 79263, MedGen C0027877, MONDO:0016295. Disease mechanism: loss of function.

Submission:

Labcorp Genetics (formerly Invitae), Labcorp
Classification: Uncertain significance for Neuronal ceroid lipofuscinosis. Last evaluated: 2021-12-14. Review status: criteria provided, single submitter. Criteria: Invitae Variant Classification Sherloc (09022015). Collection method: clinical testing. Allele origin: germline.
Comment: In summary, the available evidence is currently insufficient to determine the role of this variant in disease. Therefore, it has been classified as a Variant of Uncertain Significance. Advanced modeling of protein sequence and biophysical properties (such as structural, functional, and spatial information, amino acid conservation, physicochemical variation, residue mobility, and thermodynamic stability) performed at Invitae indicates that this missense variant is not expected to disrupt CLN8 protein function. This variant has not been reported in the literature in individuals affected with CLN8-related conditions. This variant is not present in population databases (gnomAD no frequency). This sequence change replaces isoleucine, which is neutral and non-polar, with serine, which is neutral and polar, at codon 127 of the CLN8 protein (p.Ile127Ser).